The following is an entry in ClinVar:

ClinVar aggregate classification (germline): Uncertain significance (1 of 4 stars; one submission).

Submission:

Labcorp Genetics (formerly Invitae), Labcorp
Classification: Uncertain significance. Last evaluated: 2022-06-27. Review status: criteria provided, single submitter. Criteria: Invitae Variant Classification Sherloc (09022015). Collection method: clinical testing. Allele origin: germline.
Comment: This sequence change replaces alanine, which is neutral and non-polar, with serine, which is neutral and polar, at codon 555 of the ZNF341 protein (p.Ala555Ser). This variant is not present in population databases (gnomAD no frequency). This variant has not been reported in the literature in individuals affected with ZNF341-related conditions. Algorithms developed to predict the effect of missense changes on protein structure and function are either unavailable or do not agree on the potential impact of this missense change (SIFT: "Deleterious"; PolyPhen-2: "Benign"; Align-GVGD: "Class C0"). In summary, the available evidence is currently insufficient to determine the role of this variant in disease. Therefore, it has been classified as a Variant of Uncertain Significance.

NM_001282933.2(ZNF341):c.1684G>T (p.Ala562Ser)

Gene: ZNF341 (zinc finger protein 341; plus strand). Cytogenetic location: 20q11.22.
Variant type: single nucleotide variant.
Coding change: c.1684G>T on transcript NM_001282933.2 (MANE Select); coding-DNA position 1684, G replaced by T.
Protein change: p.Ala562Ser; replaces alanine 562 with serine.
Molecular consequence: missense variant.
Genome position (GRCh38, 1-based): chr20:33,781,352, G>T. VCF-style: chr20-33781352-G-T. GRCh37 (hg19) VCF-style: chr20-32369158-G-T.
Other names: c.1414G>T, p.Ala472Ser (NM_001282935.2); c.1663G>T, p.Ala555Ser (NM_032819.5); short protein forms A555S, A562S, A472S.
Identifiers: ClinVar variation 1363552 (VCV001363552.5), dbSNP rs767620525, ClinGen allele CA408639316.
Genomic context (GRCh38, chr20:33,781,352, plus strand): 5'-TGTGTCAAATGTGTCAACAAATACTCCACCCCTGAGGCCCTGGAGCACCACCTGCAGACC[G>T]CCACTCACAACTTCCCCTGCCCACACTGCCAGAAGGTGGGTGCCACTGTCCTCTTTTCTG-3'
Protein context (NP_001269862.1, residues 552-572): PEALEHHLQT[Ala562Ser]THNFPCPHCQ